The following is an entry in ClinVar:

NM_000548.5(TSC2):c.3498T>C (p.Pro1166=)

Gene: TSC2 (TSC complex subunit 2; plus strand). Cytogenetic location: 16p13.3.
Variant type: single nucleotide variant.
Coding change: c.3498T>C on transcript NM_000548.5 (MANE Select); coding-DNA position 3498, T replaced by C.
Protein change: p.Pro1166=; no amino-acid change (proline 1166 retained).
Molecular consequence: synonymous variant.
Genome position (GRCh38, 1-based): chr16:2,080,265, T>C. VCF-style: chr16-2080265-T-C. GRCh37 (hg19) VCF-style: chr16-2130266-T-C.
Other names: c.3366T>C, p.Pro1122= (NM_001077183.3, NM_001370404.1); c.3498T>C, p.Pro1166= (NM_001114382.3); c.3258T>C, p.Pro1086= (NM_001318827.2); c.3222T>C, p.Pro1074= (NM_001318829.2); c.2766T>C, p.Pro922= (NM_001318831.2); c.3399T>C, p.Pro1133= (NM_001318832.2); c.3369T>C, p.Pro1123= (NM_001363528.2, NM_001370405.1, NM_021055.3).
Identifiers: ClinVar variation 1132069 (VCV001132069.10), dbSNP rs2151458951, ClinGen allele CA493042961.
Genomic context (GRCh38, chr16:2,080,265, plus strand): 5'-CTCCCAGTTCCTGGGCAGTGCCACTTCTCCAGGACCACGGACTGCACCAGCCGCGAAACC[T>C]GAGAAGGCCTCAGCTGGCACCCGGGTTCCTGTGCAGGAGAAGACGAACCTGGCGGCCTAT-3'
Protein context (NP_000539.2, residues 1156-1176): PGPRTAPAAK[Pro1166=]EKASAGTRVP

ClinVar aggregate classification (germline): Benign/Likely benign. Review status: criteria provided, multiple submitters, no conflicts (2 of 4 stars). 2 submissions from 2 submitters: Benign (1); Likely benign (1). Last evaluated 2025-05-29.

Conditions:
Tuberous sclerosis 2 (TSC2). Identifiers: Orphanet 805, MedGen C1860707, MONDO:0013199, OMIM 613254.

Submissions (2):

Myriad Genetics, Inc.
Classification: Benign for Tuberous sclerosis 2. Last evaluated: 2025-05-29. Review status: criteria provided, single submitter. Criteria: Myriad Autosomal Dominant, Autosomal Recessive and X-Linked Classification Criteria (2023). Collection method: clinical testing. Allele origin: unknown.
Comment: This variant is considered benign. This variant is a silent/synonymous amino acid change and it is not expected to impact splicing.

Labcorp Genetics (formerly Invitae), Labcorp
Classification: Likely benign for Tuberous sclerosis 2. Last evaluated: 2020-11-01. Review status: criteria provided, single submitter. Criteria: Invitae Variant Classification Sherloc (09022015). Collection method: clinical testing. Allele origin: germline.